The following is an entry in ClinVar:

NM_000051.4(ATM):c.3627del (p.Phe1209fs)

Gene: ATM (ATM serine/threonine kinase; plus strand). Cytogenetic location: 11q22.3.
Variant type: Deletion.
Coding change: c.3627del on transcript NM_000051.4 (MANE Select); coding-DNA position 3627, one base deleted (T; older notation c.3627delT).
Protein change: p.Phe1209fs; shifts the reading frame from phenylalanine 1209.
Molecular consequence: frameshift variant.
Genome position (GRCh38, 1-based): chr11:108,282,760, T deleted; the last of 3 consecutive T bases (chr11:108,282,758-108,282,760); deleting any one gives the same sequence. VCF-style (leftmost placement, unchanged base first): chr11-108282757-CT-C. GRCh37 (hg19) VCF-style: chr11-108153484-CT-C.
Other names: c.3627delT (NM_000051.3); c.3627del, p.Phe1209fs (NM_001351834.2); c.3625delT (NM_000051.3); short protein forms F1209fs.
Identifiers: ClinVar variation 453479 (VCV000453479.14), dbSNP rs587782861, ClinGen allele CA169922.

ClinVar aggregate classification (germline): Pathogenic. Review status: criteria provided, multiple submitters, no conflicts (2 of 4 stars). 4 submissions from 4 submitters: Pathogenic (4). Last evaluated 2025-12-12.

Conditions:
Hereditary cancer-predisposing syndrome. Also called: Tumor predisposition; Hereditary Cancer Syndrome; Neoplastic Syndromes, Hereditary; Hereditary neoplastic syndrome. Identifiers: Orphanet 140162, MedGen C0027672, MeSH D009386, MONDO:0015356.
Familial cancer of breast. Also called: Hereditary breast cancer; hereditary breast carcinoma; BREAST CANCER, FAMILIAL. Identifiers: Orphanet 227535, MedGen C0346153, MONDO:0016419, OMIM 114480. Disease mechanism: loss of function.
Ataxia-telangiectasia syndrome (AT). Also called: Cerebello-oculocutaneous telangiectasia; Immunodeficiency with ataxia telangiectasia; Ataxia-telangiectasia, complementation group D; AT, COMPLEMENTATION GROUP C; Ataxia-telangiectasia, complementation group E; LOUIS-BAR SYNDROME. Identifiers: Orphanet 100, MedGen C0004135, MONDO:0008840, OMIM 208900.

Submissions (4):

Labcorp Genetics (formerly Invitae), Labcorp
Classification: Pathogenic for Ataxia-telangiectasia syndrome. Last evaluated: 2025-12-12. Review status: criteria provided, single submitter. Criteria: Invitae Variant Classification Sherloc (09022015). Collection method: clinical testing. Allele origin: germline.
Comment: This sequence change creates a premature translational stop signal (p.Phe1209Leufs*6) in the ATM gene. It is expected to result in an absent or disrupted protein product. Loss-of-function variants in ATM are known to be pathogenic (PMID: 23807571, 25614872). This variant is not present in population databases (gnomAD no frequency). This variant has not been reported in the literature in individuals affected with ATM-related conditions. ClinVar contains an entry for this variant (Variation ID: 453479). Algorithms developed to predict the effect of sequence changes on RNA splicing suggest that this variant may disrupt the consensus splice site. For these reasons, this variant has been classified as Pathogenic.

Myriad Genetics, Inc.
Classification: Pathogenic for Familial cancer of breast. Last evaluated: 2024-01-22. Review status: criteria provided, single submitter. Criteria: Myriad Autosomal Dominant, Autosomal Recessive and X-Linked Classification Criteria (2023). Collection method: clinical testing. Allele origin: unknown.
Comment: This variant is considered pathogenic. This variant creates a frameshift predicted to result in premature protein truncation.

Color Diagnostics, LLC DBA Color Health
Classification: Pathogenic for Hereditary cancer-predisposing syndrome. Last evaluated: 2020-01-15. Review status: criteria provided, single submitter. Criteria: ACMG Guidelines, 2015. Collection method: clinical testing. Allele origin: germline.
Comment: This variant deletes 1 nucleotide in exon 25 of the ATM gene, creating a frameshift and premature translation stop signal. This variant is expected to result in an absent or non-functional protein product. This variant has not been identified in the general population by the Genome Aggregation Database (gnomAD). Loss of ATM function is a known mechanism of disease. Based on the available evidence, this variant is classified as Pathogenic.

Ambry Genetics
Classification: Pathogenic for Hereditary cancer-predisposing syndrome. Last evaluated: 2014-04-06. Review status: criteria provided, single submitter. Criteria: Ambry Autosomal Dominant and X-Linked criteria (10/2015). Collection method: clinical testing. Allele origin: germline. Observed: 1 variant allele.
Comment: This alteration is expected to result in loss of function by premature protein truncation or nonsense-mediatedâ€¯mRNAâ€¯decay.â€¯As such, this alteration is interpreted as a disease-causing mutation.

Literature cited by the submitters: PubMed 23807571 (cited by Labcorp Genetics (formerly Invitae), Labcorp); PubMed 25614872 (cited by Labcorp Genetics (formerly Invitae), Labcorp).